The following is an entry in ClinVar:

NC_000015.10:g.26816391G>T

Gene: GABRB3 (gamma-aminobutyric acid type A receptor subunit beta3; minus strand). Cytogenetic location: 15q12.
Variant type: single nucleotide variant.
Genome position: GRCh38 VCF-style: chr15-26816391-G-T. GRCh37 (hg19) VCF-style: chr15-27061538-G-T.
Identifiers: ClinVar variation 4872706 (VCV004872706.2).

ClinVar aggregate classification (germline): Uncertain significance (1 of 4 stars; one submission).

Submission:

CeGaT Center for Human Genetics Tuebingen
Classification: Uncertain significance. Last evaluated: 2026-04-01. Review status: criteria provided, single submitter. Criteria: CeGaT Center For Human Genetics Tuebingen Variant Classification Criteria Version 2. Collection method: clinical testing. Allele origin: germline. Affected: yes. Observed: 1 variant allele.
Comment: GABRB3: PP2, BP4